The following is an entry in ClinVar:

NM_002693.3(POLG):c.253G>C (p.Glu85Gln)

Genes: POLG (DNA polymerase gamma, catalytic subunit; minus strand), POLGARF (POLG alternative reading frame; minus strand). Cytogenetic location: 15q26.1.
Variant type: single nucleotide variant.
Coding change: c.253G>C on transcript NM_002693.3 (MANE Select); coding-DNA position 253, G replaced by C.
Protein change: p.Glu85Gln; replaces glutamic acid 85 with glutamine.
Molecular consequence: missense variant.
Genome position (GRCh38, 1-based): chr15:89,333,502, C>G on the plus strand (G>C on the coding strand, the complement: POLG is on the minus strand). VCF-style: chr15-89333502-C-G. GRCh37 (hg19) VCF-style: chr15-89876733-C-G.
Other names: c.253G>C, p.Glu85Gln (NM_001126131.2); short protein forms E85Q.
Identifiers: ClinVar variation 2735757 (VCV002735757.5), dbSNP rs1338282623, ClinGen allele CA393773274.

ClinVar aggregate classification (germline): Uncertain significance. Review status: criteria provided, multiple submitters, no conflicts (2 of 4 stars). 3 submissions from 3 submitters: Uncertain significance (3). Last evaluated 2026-09-01.

Conditions:
Progressive sclerosing poliodystrophy (MTDPS4A). Also called: Mitochondrial DNA depletion syndrome 4A (Alpers type); Alpers Syndrome; ALPERS DIFFUSE DEGENERATION OF CEREBRAL GRAY MATTER WITH HEPATIC CIRRHOSIS; Alpers-Huttenlocher Syndrome; ALPERS PROGRESSIVE INFANTILE POLIODYSTROPHY; NEURONAL DEGENERATION OF CHILDHOOD WITH LIVER DISEASE, PROGRESSIVE. Identifiers: Orphanet 726, MedGen C0205710, MONDO:0008758, OMIM 203700.

Allele frequency attached by ClinVar (database versions not stated): TOPMed 0.00001.
gnomAD v4.1: 1 of 1,612,796 alleles (0.000062%); highest among the groups gnomAD compares: Non-Finnish European, 0.000085%; no homozygotes.

Submissions (3):

CeGaT Center for Human Genetics Tuebingen
Classification: Uncertain significance. Last evaluated: 2026-09-01. Review status: criteria provided, single submitter. Criteria: CeGaT Center For Human Genetics Tuebingen Variant Classification Criteria Version 2. Collection method: clinical testing. Allele origin: germline. Affected: yes. Observed: 1 variant allele.
Comment: POLG: PM2

GeneDx
Classification: Uncertain significance. Last evaluated: 2026-04-21. Review status: criteria provided, single submitter. Criteria: GeneDx Variant Classification Process June 2021. Collection method: clinical testing. Allele origin: germline.
Comment: In silico analysis suggests that this missense variant does not alter protein structure/function; Not observed at significant frequency in large population cohorts (gnomAD); Has not been previously published as pathogenic or benign to our knowledge

Labcorp Genetics (formerly Invitae), Labcorp
Classification: Uncertain significance for Progressive sclerosing poliodystrophy. Last evaluated: 2023-04-29. Review status: criteria provided, single submitter. Criteria: Invitae Variant Classification Sherloc (09022015). Collection method: clinical testing. Allele origin: germline.
Comment: In summary, the available evidence is currently insufficient to determine the role of this variant in disease. Therefore, it has been classified as a Variant of Uncertain Significance. Advanced modeling of protein sequence and biophysical properties (such as structural, functional, and spatial information, amino acid conservation, physicochemical variation, residue mobility, and thermodynamic stability) has been performed at Invitae for this missense variant, however the output from this modeling did not meet the statistical confidence thresholds required to predict the impact of this variant on POLG protein function. This variant has not been reported in the literature in individuals affected with POLG-related conditions. This variant is present in population databases (no rsID available, gnomAD 0.0009%). This sequence change replaces glutamic acid, which is acidic and polar, with glutamine, which is neutral and polar, at codon 85 of the POLG protein (p.Glu85Gln).